The following is an entry in ClinVar:

ClinVar aggregate classification (germline): Benign (1 of 4 stars; one submission).

Conditions:
Pyogenic arthritis-pyoderma gangrenosum-acne syndrome (PAPA). Also called: FAMILIAL RECURRENT ARTHRITIS; PAPA SYNDROME. Identifiers: Orphanet 69126, MedGen C1858361, MONDO:0011462, OMIM 604416.

Allele frequency attached by ClinVar (database versions not stated): TOPMed 0.00034; 1000 Genomes Project 30x 0.00078; 1000 Genomes Project 0.00080.
gnomAD v4.1: 829 of 1,472,116 alleles (0.056%); highest among the groups gnomAD compares: Middle Eastern, 0.072%; 1 homozygote.

Submission:

Illumina Laboratory Services, Illumina
Classification: Benign for Pyogenic arthritis-pyoderma gangrenosum-acne syndrome. Last evaluated: 2018-01-12. Review status: criteria provided, single submitter. Criteria: ICSL Variant Classification Criteria 13 December 2019. Collection method: clinical testing. Allele origin: germline.
Comment: This variant was observed in the ICSL laboratory as part of a predisposition screen in an ostensibly healthy population. It had not been previously curated by ICSL or reported in the Human Gene Mutation Database (HGMD: prior to June 1st, 2018), and was therefore a candidate for classification through an automated scoring system. Utilizing variant allele frequency, disease prevalence and penetrance estimates, and inheritance mode, an automated score was calculated to assess if this variant is too frequent to cause the disease. Based on the score and internal cut-off values, a variant classified as benign is not then subjected to further curation. The score for this variant resulted in a classification of benign for this disease.

NM_003978.5(PSTPIP1):c.*93C>T

Gene: PSTPIP1 (proline-serine-threonine phosphatase interacting protein 1; plus strand). Cytogenetic location: 15q24.3.
Variant type: single nucleotide variant.
Coding change: c.*93C>T on transcript NM_003978.5 (MANE Select); 93 bases downstream of the stop codon, C replaced by T.
Molecular consequence: 3 prime UTR variant. On other transcripts: non-coding transcript variant (1).
Genome position (GRCh38, 1-based): chr15:77,037,269, C>T. VCF-style: chr15-77037269-C-T. GRCh37 (hg19) VCF-style: chr15-77329610-C-T.
Other names: c.*93C>T (NM_001321135.2, NM_001321136.2, NM_001321137.1).
Identifiers: ClinVar variation 317192 (VCV000317192.5), dbSNP rs554408944, ClinGen allele CA10646635.